The following is an entry in ClinVar:

ClinVar aggregate classification (germline): Benign. Review status: criteria provided, multiple submitters, no conflicts (2 of 4 stars). 6 submissions from 6 submitters: Benign (6). Last evaluated 2026-01-28.

Conditions:
Congenital contractural arachnodactyly (CCA). Also called: BEALS SYNDROME; Arthrogryposis, distal, type 9; Beals-Hecht syndrome. Identifiers: Orphanet 115, MedGen C0220668, MONDO:0007363, OMIM 121050.

Allele frequency attached by ClinVar (database versions not stated): gnomAD exomes 0.00019 and 0.00051; ExAC 0.00059; gnomAD 0.00208 and 0.00225; TOPMed 0.00226; 1000 Genomes Project 0.00240; ESP Exome Variant Server 0.00246; 1000 Genomes Project 30x 0.00281.
gnomAD v4.1: 598 of 1,612,852 alleles (0.037%); highest among the groups gnomAD compares: African/African-American, 0.75%; 1 homozygote.

Submissions (6):

Labcorp Genetics (formerly Invitae), Labcorp
Classification: Benign for Congenital contractural arachnodactyly. Last evaluated: 2026-01-28. Review status: criteria provided, single submitter. Criteria: Invitae Variant Classification Sherloc (09022015). Collection method: clinical testing. Allele origin: germline.

Women's Health and Genetics/Laboratory Corporation of America, LabCorp
Classification: Benign. Last evaluated: 2025-05-28. Review status: criteria provided, single submitter. Criteria: LabCorp Variant Classification Summary - May 2015. Collection method: clinical testing. Allele origin: germline.
Comment: Variant summary: FBN2 c.2428+6T>A alters a conserved nucleotide located close to a canonical splice site and therefore could affect mRNA splicing, leading to a significantly altered protein sequence. Consensus agreement among computation tools predict no significant impact on normal splicing. However, these predictions have yet to be confirmed by functional studies. The variant allele was found at a frequency of 0.00051 in 250858 control chromosomes, predominantly at a frequency of 0.0074 within the African or African-American subpopulation in the gnomAD database. The observed variant frequency within African or African-American control individuals in the gnomAD database exceeds the estimated maximal expected allele frequency for a pathogenic variant in FBN2 causing Nonsyndromic Heritable Thoracic Aortic Aneurysms And Dissections phenotype. To our knowledge, no occurrence of c.2428+6T>A in individuals affected with Nonsyndromic Heritable Thoracic Aortic Aneurysms And Dissections and no experimental evidence demonstrating its impact on protein function have been reported. ClinVar contains an entry for this variant (Variation ID: 258511). Based on the evidence outlined above, the variant was classified as benign.

ARUP Laboratories, Molecular Genetics and Genomics, ARUP Laboratories
Classification: Benign. Last evaluated: 2021-07-30. Review status: criteria provided, single submitter. Criteria: ARUP Molecular Germline Variant Investigation Process 2021. Collection method: clinical testing. Allele origin: germline.

Illumina Laboratory Services, Illumina
Classification: Benign for Congenital contractural arachnodactyly. Last evaluated: 2018-01-12. Review status: criteria provided, single submitter. Criteria: ICSL Variant Classification Criteria 13 December 2019. Collection method: clinical testing. Allele origin: germline.
Comment: This variant was observed in the ICSL laboratory as part of a predisposition screen in an ostensibly healthy population. It had not been previously curated by ICSL or reported in the Human Gene Mutation Database (HGMD: prior to June 1st, 2018), and was therefore a candidate for classification through an automated scoring system. Utilizing variant allele frequency, disease prevalence and penetrance estimates, and inheritance mode, an automated score was calculated to assess if this variant is too frequent to cause the disease. Based on the score and internal cut-off values, a variant classified as benign is not then subjected to further curation. The score for this variant resulted in a classification of benign for this disease.

GeneDx
Classification: Benign. Last evaluated: 2015-08-07. Review status: criteria provided, single submitter. Criteria: GeneDx Variant Classification (06012015). Collection method: clinical testing. Allele origin: germline. Affected: yes.
Comment: This variant is considered likely benign or benign based on one or more of the following criteria: it is a conservative change, it occurs at a poorly conserved position in the protein, it is predicted to be benign by multiple in silico algorithms, and/or has population frequency not consistent with disease.

PreventionGenetics, part of Exact Sciences
Classification: Benign. Review status: criteria provided, single submitter. Criteria: ACMG Guidelines, 2015. Collection method: clinical testing. Allele origin: germline.

NM_001999.4(FBN2):c.2428+6T>A

Gene: FBN2 (fibrillin 2; minus strand). Cytogenetic location: 5q23.3.
Variant type: single nucleotide variant.
Coding change: c.2428+6T>A on transcript NM_001999.4 (MANE Select); 6 bases into the intron after coding-DNA position 2428, T replaced by A.
Molecular consequence: intron variant.
Genome position (GRCh38, 1-based): chr5:128,364,594, A>T on the plus strand (T>A on the coding strand, the complement: FBN2 is on the minus strand). VCF-style: chr5-128364594-A-T. GRCh37 (hg19) VCF-style: chr5-127700287-A-T.
Identifiers: ClinVar variation 258511 (VCV000258511.23), dbSNP rs77493726, ClinGen allele CA3395559.